The following is an entry in ClinVar:

ClinVar aggregate classification (germline): Pathogenic (1 of 4 stars; one submission).

Submission:

Labcorp Genetics (formerly Invitae), Labcorp
Classification: Pathogenic. Last evaluated: 2023-03-31. Review status: criteria provided, single submitter. Criteria: Invitae Variant Classification Sherloc (09022015). Collection method: clinical testing. Allele origin: germline.
Comment: This sequence change creates a premature translational stop signal (p.Arg1082Profs*25) in the POLE gene. It is expected to result in an absent or disrupted protein product. Loss-of-function variants in POLE are known to be pathogenic (PMID: 23230001, 25948378, 30503519). This variant is not present in population databases (gnomAD no frequency). This variant has not been reported in the literature in individuals affected with POLE-related conditions. For these reasons, this variant has been classified as Pathogenic.

Literature cited by the submitters: PubMed 23230001; PubMed 25948378; PubMed 30503519.

NM_006231.4(POLE):c.3241_3242dup (p.Arg1082fs)

Gene: POLE (DNA polymerase epsilon, catalytic subunit; minus strand). Cytogenetic location: 12q24.33.
Variant type: Microsatellite.
Coding change: c.3241_3242dup on transcript NM_006231.4 (MANE Select); coding-DNA positions 3241 to 3242, 2 bases duplicated (TC; older notation c.3241_3242dupTC).
Protein change: p.Arg1082fs; shifts the reading frame from arginine 1082.
Molecular consequence: frameshift variant.
Genome position (GRCh38, 1-based): chr12:132,659,328-132,659,329, GA duplicated on the plus strand (TC on the coding strand, the reverse complement: POLE is on the minus strand); duplicating any 2 consecutive bases within chr12:132,659,328-132,659,331 gives the same sequence; the c. name uses the placement nearest the transcript's 3' end. VCF-style (leftmost placement, unchanged base first): chr12-132659327-G-GGA. GRCh37 (hg19) VCF-style: chr12-133235913-G-GGA.
Other names: short protein forms R1082fs.
Identifiers: ClinVar variation 1439405 (VCV001439405.8), dbSNP rs2138674775, ClinGen allele CA2580614608.
Genomic context (GRCh38, chr12:132,659,327, plus strand): 5'-ACCTCTCCGTGATGGGGGGAGCCCTCACCTCTCCGTGACAGGGGAGCCCTCGGGCTTGCG[G>GGA]GAGATGATGTAGCGGCAACTCAGCCCTGCATCCTTGACCATCTGGTCTCCCAGGAACTCG-3'